The following is an entry in ClinVar:

NM_015474.4(SAMHD1):c.899T>C (p.Ile300Thr)

Gene: SAMHD1 (SAM and HD domain containing deoxynucleoside triphosphate triphosphohydrolase 1; minus strand). Cytogenetic location: 20q11.23.
Variant type: single nucleotide variant.
Coding change: c.899T>C on transcript NM_015474.4 (MANE Select); coding-DNA position 899, T replaced by C.
Protein change: p.Ile300Thr; replaces isoleucine 300 with threonine.
Molecular consequence: missense variant.
Genome position (GRCh38, 1-based): chr20:36,917,003, A>G on the plus strand (T>C on the coding strand, the complement: SAMHD1 is on the minus strand). VCF-style: chr20-36917003-A-G. GRCh37 (hg19) VCF-style: chr20-35545406-A-G.
Other names: c.899T>C, p.Ile300Thr (NM_001363729.2, NM_001363733.2); short protein forms I300T.
Identifiers: ClinVar variation 2101965 (VCV002101965.1), dbSNP rs901586847, ClinGen allele CA314297045.

ClinVar aggregate classification (germline): Uncertain significance (1 of 4 stars; one submission).

Conditions:
Aicardi-Goutieres syndrome 5. Identifiers: Orphanet 51, MedGen C2749659, MONDO:0013059, OMIM 612952.

Allele frequency attached by ClinVar (database versions not stated): gnomAD exomes below 0.00001.
gnomAD v4.1: 1 of 1,614,082 alleles (0.000062%); highest among the groups gnomAD compares: Admixed American, 0.0017%; no homozygotes.

Submission:

Labcorp Genetics (formerly Invitae), Labcorp
Classification: Uncertain significance for Aicardi-Goutieres syndrome 5. Last evaluated: 2022-02-22. Review status: criteria provided, single submitter. Criteria: Invitae Variant Classification Sherloc (09022015). Collection method: clinical testing. Allele origin: germline.
Comment: This sequence change replaces isoleucine, which is neutral and non-polar, with threonine, which is neutral and polar, at codon 300 of the SAMHD1 protein (p.Ile300Thr). This variant is not present in population databases (gnomAD no frequency). This variant has not been reported in the literature in individuals affected with SAMHD1-related conditions. Algorithms developed to predict the effect of missense changes on protein structure and function (SIFT, PolyPhen-2, Align-GVGD) all suggest that this variant is likely to be disruptive. Algorithms developed to predict the effect of sequence changes on RNA splicing suggest that this variant may create or strengthen a splice site. In summary, the available evidence is currently insufficient to determine the role of this variant in disease. Therefore, it has been classified as a Variant of Uncertain Significance.